The following is an entry in ClinVar:

ClinVar aggregate classification (germline): Uncertain significance (0 of 4 stars; one submission).

Conditions:
PLXNA4-related disorder. Also called: PLXNA4-related condition.

gnomAD v4.1: 3 of 1,599,670 alleles (0.00019%); highest among the groups gnomAD compares: South Asian, 0.0011%; no homozygotes.

Submission:

PreventionGenetics, part of Exact Sciences
Classification: Uncertain significance for PLXNA4-related condition. Last evaluated: 2024-01-03. Review status: no assertion criteria provided. Collection method: clinical testing. Allele origin: germline.
Comment: The PLXNA4 c.1601A>G variant is predicted to result in the amino acid substitution p.Asn534Ser. To our knowledge, this variant has not been reported in the literature or in a large population database, indicating this variant is rare. At this time, the clinical significance of this variant is uncertain due to the absence of conclusive functional and genetic evidence.

NM_020911.2(PLXNA4):c.1601A>G (p.Asn534Ser)

Gene: PLXNA4 (plexin A4; minus strand). Cytogenetic location: 7q32.3.
Variant type: single nucleotide variant.
Coding change: c.1601A>G on transcript NM_020911.2 (MANE Select); coding-DNA position 1601, A replaced by G.
Protein change: p.Asn534Ser; replaces asparagine 534 with serine.
Molecular consequence: missense variant.
Genome position (GRCh38, 1-based): chr7:132,241,069, T>C on the plus strand (A>G on the coding strand, the complement: PLXNA4 is on the minus strand). VCF-style: chr7-132241069-T-C. GRCh37 (hg19) VCF-style: chr7-131925828-T-C.
Other names: c.1601A>G, p.Asn534Ser (NM_001393897.1); short protein forms N534S.
Identifiers: ClinVar variation 3348067 (VCV003348067.1).